The following is an entry in ClinVar:

NM_001205293.3(CACNA1E):c.4477G>T (p.Val1493Phe)

Gene: CACNA1E (calcium voltage-gated channel subunit alpha1 E; plus strand). Cytogenetic location: 1q25.3.
Variant type: single nucleotide variant.
Coding change: c.4477G>T on transcript NM_001205293.3 (MANE Select); coding-DNA position 4477, G replaced by T.
Protein change: p.Val1493Phe; replaces valine 1493 with phenylalanine.
Molecular consequence: missense variant.
Genome position (GRCh38, 1-based): chr1:181,758,094, G>T. VCF-style: chr1-181758094-G-T. GRCh37 (hg19) VCF-style: chr1-181727230-G-T.
Other names: c.4477G>T, p.Val1493Phe (NM_000721.4); c.4420G>T, p.Val1474Phe (NM_001205294.2); short protein forms V1474F, V1493F.
Identifiers: ClinVar variation 4800003 (VCV004800003.1).

ClinVar aggregate classification (germline): Uncertain significance (1 of 4 stars; one submission).

gnomAD v4.1: 5 of 1,613,792 alleles (0.00031%); highest among the groups gnomAD compares: Non-Finnish European, 0.00042%; no homozygotes.

Submission:

Labcorp Genetics (formerly Invitae), Labcorp
Classification: Uncertain significance. Last evaluated: 2025-12-08. Review status: criteria provided, single submitter. Criteria: Invitae Variant Classification Sherloc (09022015). Collection method: clinical testing. Allele origin: germline.
Comment: This sequence change replaces valine, which is neutral and non-polar, with phenylalanine, which is neutral and non-polar, at codon 1493 of the CACNA1E protein (p.Val1493Phe). This variant is not present in population databases (gnomAD no frequency). This variant has not been reported in the literature in individuals affected with CACNA1E-related conditions. Invitae Evidence Modeling of protein sequence and biophysical properties (such as structural, functional, and spatial information, amino acid conservation, physicochemical variation, residue mobility, and thermodynamic stability) has been performed for this missense variant. However, the output from this modeling did not meet the statistical confidence thresholds required to predict the impact of this variant on CACNA1E protein function. In summary, the available evidence is currently insufficient to determine the role of this variant in disease. Therefore, it has been classified as a Variant of Uncertain Significance.